The following is an entry in ClinVar:

ClinVar aggregate classification (germline): Uncertain significance (1 of 4 stars; one submission).

Conditions:
Severe combined immunodeficiency due to CORO1A deficiency. Also called: IMMUNODEFICIENCY 8 WITH LYMPHOPROLIFERATION; Immunodeficiency 8. Identifiers: Orphanet 228003, MedGen C3809383, MONDO:0014168, OMIM 615401.

Allele frequency attached by ClinVar (database versions not stated): TOPMed below 0.00001; ExAC 0.00001; gnomAD exomes 0.00001.
gnomAD v4.1: 4 of 1,613,934 alleles (0.00025%); highest among the groups gnomAD compares: South Asian, 0.0033%; no homozygotes.

Submission:

Labcorp Genetics (formerly Invitae), Labcorp
Classification: Uncertain significance for Severe combined immunodeficiency due to CORO1A deficiency. Last evaluated: 2023-07-14. Review status: criteria provided, single submitter. Criteria: Invitae Variant Classification Sherloc (09022015). Collection method: clinical testing. Allele origin: germline.
Comment: In summary, the available evidence is currently insufficient to determine the role of this variant in disease. Therefore, it has been classified as a Variant of Uncertain Significance. Advanced modeling of protein sequence and biophysical properties (such as structural, functional, and spatial information, amino acid conservation, physicochemical variation, residue mobility, and thermodynamic stability) performed at Invitae indicates that this missense variant is not expected to disrupt CORO1A protein function. ClinVar contains an entry for this variant (Variation ID: 948574). This variant has not been reported in the literature in individuals affected with CORO1A-related conditions. This variant is present in population databases (rs769394096, gnomAD 0.007%). This sequence change replaces serine, which is neutral and polar, with glycine, which is neutral and non-polar, at codon 311 of the CORO1A protein (p.Ser311Gly).

NM_007074.4(CORO1A):c.931A>G (p.Ser311Gly)

Gene: CORO1A (coronin 1A; plus strand). Cytogenetic location: 16p11.2.
Variant type: single nucleotide variant.
Coding change: c.931A>G on transcript NM_007074.4 (MANE Select); coding-DNA position 931, A replaced by G.
Protein change: p.Ser311Gly; replaces serine 311 with glycine.
Molecular consequence: missense variant.
Genome position (GRCh38, 1-based): chr16:30,188,011, A>G. VCF-style: chr16-30188011-A-G. GRCh37 (hg19) VCF-style: chr16-30199332-A-G.
Other names: c.931A>G, p.Ser311Gly (NM_001193333.3); short protein forms S311G.
Identifiers: ClinVar variation 948574 (VCV000948574.10), dbSNP rs769394096, ClinGen allele CA8003320.
Genomic context (GRCh38, chr16:30,188,011, plus strand): 5'-TCAATCCGGTACTTTGAGATCACTTCCGAGGCCCCTTTCCTGCACTATCTCTCCATGTTC[A>G]GTTCCAAGGAGTCCCAGCGGGGCATGGGCTACATGCCCAAACGTGGCCTGGAGGTGAACA-3'
Protein context (NP_009005.1, residues 301-321): APFLHYLSMF[Ser311Gly]SKESQRGMGY